The following is an entry in ClinVar:

Conditions:
Breast-ovarian cancer, familial, susceptibility to, 1 (BROVCA1). Also called: BRCA1 Hereditary Breast and Ovarian Cancer; OVARIAN CANCER, SUSCEPTIBILITY TO. Identifiers: Orphanet 145, MedGen C2676676, MONDO:0011450, OMIM 604370. Disease mechanism: loss of function.

Submission:

Brotman Baty Institute, University of Washington
No classification provided (evidence only). Condition: Breast-ovarian cancer, familial 1. Review status: no classification provided. Collection method: in vitro. Allele origin: not applicable. Functional consequence: functionally_normal.
ClinVar note: "not provided" was previously submitted as the classification for the variant. However, the classification appeared to be based only on an observation of functional data so it was converted to no classification on 2025-07-30.

NM_007294.4(BRCA1):c.144G>C (p.Met48Ile)

Gene: BRCA1 (BRCA1 DNA repair associated; minus strand). Cytogenetic location: 17q21.31.
Variant type: single nucleotide variant.
Coding change: c.144G>C on transcript NM_007294.4 (MANE Select); coding-DNA position 144, G replaced by C.
Protein change: p.Met48Ile; replaces methionine 48 with isoleucine.
Molecular consequence: missense variant. On other transcripts: initiator codon variant (1), non-coding transcript variant (1).
Genome position (GRCh38, 1-based): chr17:43,106,524, C>G on the plus strand (G>C on the coding strand, the complement: BRCA1 is on the minus strand). VCF-style: chr17-43106524-C-G. GRCh37 (hg19) VCF-style: chr17-41258541-C-G.
Other names: c.3G>C, p.Met1Ile (NM_001407848.1, NM_001407849.1, NM_001407850.1 and 99 more transcripts); c.-45G>C (NM_001407853.1, NM_001407879.1, NM_001407881.1 and 58 more transcripts); c.144G>C, p.Met48Ile (NM_001407854.1, NM_001407858.1, NM_001407859.1 and 168 more transcripts); short protein forms M1I, M48I.
Identifiers: ClinVar variation 867271 (VCV000867271.4), dbSNP rs587783040, ClinGen allele CA10601867.
Genomic context (GRCh38, chr17:43,106,524, plus strand): 5'-TATATCATTCTTACATAAAGGACACTGTGAAGGCCCTTTCTTCTGGTTGAGAAGTTTCAG[C>G]ATGCAAAATCTATAAATTATAAAGAAAGAAAGAACAATTTAATTTACTTCCTTTTGTAGA-3'
Protein context (NP_009225.1, residues 38-58): KCDHIFCKFC[Met48Ile]LKLLNQKKGP